The following is an entry in ClinVar:

NM_001365951.3(KIF1B):c.4265G>T (p.Arg1422Leu)

Gene: KIF1B (kinesin family member 1B; plus strand). Cytogenetic location: 1p36.22.
Variant type: single nucleotide variant.
Coding change: c.4265G>T on transcript NM_001365951.3 (MANE Select); coding-DNA position 4265, G replaced by T.
Protein change: p.Arg1422Leu; replaces arginine 1422 with leucine.
Molecular consequence: missense variant.
Genome position (GRCh38, 1-based): chr1:10,361,786, G>T. VCF-style: chr1-10361786-G-T. GRCh37 (hg19) VCF-style: chr1-10421844-G-T.
Other names: c.4265G>T, p.Arg1422Leu (NM_001365952.1); c.4127G>T, p.Arg1376Leu (NM_015074.3); short protein forms R1422L, R1376L.
Identifiers: ClinVar variation 4543622 (VCV004543622.1).

ClinVar aggregate classification (germline): Uncertain significance (1 of 4 stars; one submission).

Submission:

Ambry Genetics
Classification: Uncertain significance. Last evaluated: 2025-09-25. Review status: criteria provided, single submitter. Criteria: Ambry Variant Classification Scheme 2023. Collection method: clinical testing. Allele origin: germline.
Comment: The p.R1376L variant (also known as c.4127G>T), located in coding exon 37 of the KIF1B gene, results from a G to T substitution at nucleotide position 4127. The arginine at codon 1376 is replaced by leucine, an amino acid with dissimilar properties. This amino acid position is highly conserved in available vertebrate species. In addition, this alteration is predicted to be deleterious by in silico analysis. Based on the available evidence, the clinical significance of this variant remains unclear.